The following is an entry in ClinVar:

ClinVar aggregate classification (germline): Uncertain significance (1 of 4 stars; one submission).

Conditions:
3-methylcrotonyl-CoA carboxylase 1 deficiency (MCC1D). Also called: MCCD TYPE 1; METHYLCROTONYLGLYCINURIA TYPE I; MCC 1 deficiency; 3 Alpha methylcrotonylglycinuria 1. Identifiers: Orphanet 6, MedGen CN028786, MONDO:0008861, OMIM 210200.

Submission:

Juno Genomics, Hangzhou Juno Genomics, Inc
Classification: Uncertain significance for 3-methylcrotonyl-CoA carboxylase 1 deficiency. Review status: criteria provided, single submitter. Criteria: ACMG Guidelines, 2015. Collection method: clinical testing. Allele origin: germline.
Comment: Absent from controls (or at extremely low frequency if recessive) in Genome Aggregation Database.;Multiple lines of computational evidence support a deleterious effect on the gene or gene product.

NM_020166.5(MCCC1):c.631G>A (p.Gly211Arg)

Gene: MCCC1 (methylcrotonyl-CoA carboxylase subunit 1; minus strand). Cytogenetic location: 3q27.1.
Variant type: single nucleotide variant.
Coding change: c.631G>A on transcript NM_020166.5 (MANE Select); coding-DNA position 631, G replaced by A.
Protein change: p.Gly211Arg; replaces glycine 211 with arginine.
Molecular consequence: missense variant. On other transcripts: non-coding transcript variant (2).
Genome position (GRCh38, 1-based): chr3:183,071,218, C>T on the plus strand (G>A on the coding strand, the complement: MCCC1 is on the minus strand). VCF-style: chr3-183071218-C-T. GRCh37 (hg19) VCF-style: chr3-182789006-C-T.
Other names: c.280G>A, p.Gly94Arg (NM_001293273.2); c.304G>A, p.Gly102Arg (NM_001363880.1); short protein forms G211R, G94R, G102R.
Identifiers: ClinVar variation 5018558 (VCV005018558.2).